The following is an entry in ClinVar:

NM_004655.4(AXIN2):c.456C>T (p.Ala152=)

Gene: AXIN2 (axin 2; minus strand). Cytogenetic location: 17q24.1.
Variant type: single nucleotide variant.
Coding change: c.456C>T on transcript NM_004655.4 (MANE Select); coding-DNA position 456, C replaced by T.
Protein change: p.Ala152=; no amino-acid change (alanine 152 retained).
Molecular consequence: synonymous variant.
Genome position (GRCh38, 1-based): chr17:65,558,165, G>A on the plus strand (C>T on the coding strand, the complement: AXIN2 is on the minus strand). VCF-style: chr17-65558165-G-A. GRCh37 (hg19) VCF-style: chr17-63554283-G-A.
Other names: c.456C>T, p.Ala152= (NM_001363813.1).
Identifiers: ClinVar variation 734883 (VCV000734883.15), dbSNP rs760074335, ClinGen allele CA8719047.

ClinVar aggregate classification (germline): Conflicting classifications of pathogenicity. Review status: criteria provided, conflicting classifications (1 of 4 stars). 4 submissions from 4 submitters: Uncertain significance (1); Benign (1); Likely benign (2). Last evaluated 2025-06-25.

Conditions:
Oligodontia-cancer predisposition syndrome. Also called: TOOTH AGENESIS-COLORECTAL CANCER SYNDROME. Identifiers: Orphanet 300576, MedGen C1837750, MONDO:0012075, OMIM 608615. Disease mechanism: loss of function.
Hereditary cancer-predisposing syndrome. Also called: Hereditary neoplastic syndrome; Tumor predisposition; Hereditary Cancer Syndrome; Neoplastic Syndromes, Hereditary. Identifiers: Orphanet 140162, MedGen C0027672, MeSH D009386, MONDO:0015356.

Allele frequency attached by ClinVar (database versions not stated): gnomAD exomes below 0.00001; TOPMed below 0.00001; ExAC 0.00001; gnomAD 0.00001.
gnomAD v4.1: 3 of 1,613,944 alleles (0.00019%); highest among the groups gnomAD compares: African/African-American, 0.0027%; no homozygotes.

Submissions (4):

Labcorp Genetics (formerly Invitae), Labcorp
Classification: Likely benign for Oligodontia-cancer predisposition syndrome. Last evaluated: 2025-06-25. Review status: criteria provided, single submitter. Criteria: Invitae Variant Classification Sherloc (09022015). Collection method: clinical testing. Allele origin: germline.

Myriad Genetics, Inc.
Classification: Benign for Oligodontia-cancer predisposition syndrome. Last evaluated: 2024-06-26. Review status: criteria provided, single submitter. Criteria: Myriad Autosomal Dominant, Autosomal Recessive and X-Linked Classification Criteria (2023). Collection method: clinical testing. Allele origin: unknown.
Comment: This variant is considered benign. This variant is a silent/synonymous amino acid change and it is not expected to impact splicing.

Quest Diagnostics Nichols Institute San Juan Capistrano
Classification: Uncertain significance. Last evaluated: 2023-12-11. Review status: criteria provided, single submitter. Criteria: Quest Diagnostics criteria. Collection method: clinical testing. Allele origin: unknown.
Comment: The AXIN2 c.456C>T (p.Ala152=) synonymous variant has not been reported in individuals with AXIN2-related conditions in the published literature. The frequency of this variant in the general population, 0.000004 (1/251482 chromosomes (Genome Aggregation Database)), is uninformative in the assessment of its pathogenicity. Analysis of this variant using software algorithms for the prediction of the effect of nucleotide changes on splicing yielded predictions that this variant does not affect AXIN2 mRNA splicing. Based on the available information, we are unable to determine the clinical significance of this variant.

Ambry Genetics
Classification: Likely benign for Hereditary cancer-predisposing syndrome. Last evaluated: 2019-07-31. Review status: criteria provided, single submitter. Criteria: Ambry Variant Classification Scheme 2023. Collection method: clinical testing. Allele origin: germline.